The following is an entry in ClinVar:

ClinVar aggregate classification (germline): Uncertain significance (1 of 4 stars; one submission).

Submission:

Labcorp Genetics (formerly Invitae), Labcorp
Classification: Uncertain significance. Last evaluated: 2022-07-28. Review status: criteria provided, single submitter. Criteria: Invitae Variant Classification Sherloc (09022015). Collection method: clinical testing. Allele origin: germline.
Comment: Algorithms developed to predict the effect of missense changes on protein structure and function are either unavailable or do not agree on the potential impact of this missense change (SIFT: "Deleterious"; PolyPhen-2: "Possibly Damaging"; Align-GVGD: "Class C0"). In summary, the available evidence is currently insufficient to determine the role of this variant in disease. Therefore, it has been classified as a Variant of Uncertain Significance. This variant has not been reported in the literature in individuals affected with KREMEN1-related conditions. This variant is not present in population databases (gnomAD no frequency). This sequence change replaces histidine, which is basic and polar, with tyrosine, which is neutral and polar, at codon 368 of the KREMEN1 protein (p.His368Tyr).

NM_001039570.3(KREMEN1):c.1102C>T (p.His368Tyr)

Gene: KREMEN1 (kringle containing transmembrane protein 1; plus strand). Cytogenetic location: 22q12.1.
Variant type: single nucleotide variant.
Coding change: c.1102C>T on transcript NM_001039570.3 (MANE Select); coding-DNA position 1102, C replaced by T.
Protein change: p.His368Tyr; replaces histidine 368 with tyrosine.
Molecular consequence: missense variant.
Genome position (GRCh38, 1-based): chr22:29,138,761, C>T. VCF-style: chr22-29138761-C-T. GRCh37 (hg19) VCF-style: chr22-29534749-C-T.
Other names: c.1102C>T, p.His368Tyr (NM_001039571.1, NM_032045.5); short protein forms H368Y.
Identifiers: ClinVar variation 2020047 (VCV002020047.4), dbSNP rs2038711921, ClinGen allele CA411095644.